The following is an entry in ClinVar:

NM_005609.4(PYGM):c.674T>C (p.Met225Thr)

Gene: PYGM (glycogen phosphorylase, muscle associated; minus strand). Cytogenetic location: 11q13.1.
Variant type: single nucleotide variant.
Coding change: c.674T>C on transcript NM_005609.4 (MANE Select); coding-DNA position 674, T replaced by C.
Protein change: p.Met225Thr; replaces methionine 225 with threonine.
Molecular consequence: missense variant.
Genome position (GRCh38, 1-based): chr11:64,755,545, A>G on the plus strand (T>C on the coding strand, the complement: PYGM is on the minus strand). VCF-style: chr11-64755545-A-G. GRCh37 (hg19) VCF-style: chr11-64523017-A-G.
Other names: c.410T>C, p.Met137Thr (NM_001164716.1); short protein forms M137T, M225T.
Identifiers: ClinVar variation 3600527 (VCV003600527.1).
Genomic context (GRCh38, chr11:64,755,545, plus strand): 5'-CAGAGGCGCATGGTGTTGACAACATTGTTGCGATAGCCAGGCACGGGCGTATCGTAGGGC[A>G]TGGCCAGTACCACCTGCGGGGGGCAATCCTGTCAGGAGCTGGCCAGCCCTGGCAATTGCC-3'
Protein context (NP_005600.1, residues 215-235): KWVDTQVVLA[Met225Thr]PYDTPVPGYR

ClinVar aggregate classification (germline): Uncertain significance (1 of 4 stars; one submission).

Conditions:
Glycogen storage disease, type V (GSD5). Also called: McArdle type glycogen storage disease; MCARDLE DISEASE; MUSCLE GLYCOGEN PHOSPHORYLASE DEFICIENCY; MYOPHOSPHORYLASE DEFICIENCY; PYGM DEFICIENCY. Identifiers: Orphanet 368, MedGen C0017924, MONDO:0009293, OMIM 232600.

gnomAD v4.1: 2 of 1,613,976 alleles (0.00012%); highest among the groups gnomAD compares: Non-Finnish European, 0.00017%; no homozygotes.

Submission:

Clinical Genomics Laboratory, Washington University in St. Louis
Classification: Uncertain significance for Glycogen storage disease, type V. Last evaluated: 2024-12-16. Review status: criteria provided, single submitter. Criteria: ACMG Guidelines, 2015. Collection method: clinical testing. Allele origin: germline.
Comment: The PYGM c.674T>C (p.Met225Thr) variant, to our knowledge, has not been reported in the medical literature. This variant is only observed on 1 out of 250,840 alleles in the general population (gnomAD v.2.1.1), indicating it is not a common variant. Computational predictors indicate that the variant is damaging, evidence that correlates with impact to PYGM function. Due to limited information, and based on ACMG/AMP guidelines for variant interpretation (Richards S et al., PMID: 25741868), the clinical significance of this variant is uncertain at this time.